The following is an entry in ClinVar:

NM_025000.4(DCAF17):c.209A>G (p.Asn70Ser)

Gene: DCAF17 (DDB1 and CUL4 associated factor 17; plus strand). Cytogenetic location: 2q31.1.
Variant type: single nucleotide variant.
Coding change: c.209A>G on transcript NM_025000.4 (MANE Select); coding-DNA position 209, A replaced by G.
Protein change: p.Asn70Ser; replaces asparagine 70 with serine.
Molecular consequence: missense variant. On other transcripts: non-coding transcript variant (1).
Genome position (GRCh38, 1-based): chr2:171,435,165, A>G. VCF-style: chr2-171435165-A-G. GRCh37 (hg19) VCF-style: chr2-172291675-A-G.
Other names: c.209A>G, p.Asn70Ser (NM_001164821.2); short protein forms N70S.
Identifiers: ClinVar variation 546879 (VCV000546879.51), dbSNP rs200380164, ClinGen allele CA1964572.
Genomic context (GRCh38, chr2:171,435,165, plus strand): 5'-TCTGGACAACTCATTCCAGGTCACCTATAGCCTATGAGAGAGGAAGAATATATTTTGACA[A>G]TTATCGGCGCTGTGTCAGCAGGTAACTTTTTATTGATAATTTTGCTGTAATTCACCTCAC-3'
Protein context (NP_079276.2, residues 60-80): AYERGRIYFD[Asn70Ser]YRRCVSSVAS

ClinVar aggregate classification (germline): Uncertain significance. Review status: criteria provided, multiple submitters, no conflicts (2 of 4 stars). 5 submissions from 5 submitters: Uncertain significance (5). Last evaluated 2022-08-09.

Conditions:
Inborn genetic diseases. Identifiers: MedGen C0950123, MeSH D030342.
Woodhouse-Sakati syndrome. Also called: Hypogonadism, diabetes mellitus, alopecia, mental retardation and electrocardiographic abnormalities; EXTRAPYRAMIDAL DISORDER, PROGRESSIVE, WITH PRIMARY HYPOGONADISM, MENTAL RETARDATION, AND ALOPECIA; Hypogonadism, Alopecia, Diabetes Mellitus, Mental Retardation, and Extrapyramidal Syndrome. Identifiers: Orphanet 3464, MedGen C0342286, MONDO:0009419, OMIM 241080.

Allele frequency attached by ClinVar (database versions not stated): ExAC 0.00008; gnomAD exomes 0.00012 and 0.00030; ESP Exome Variant Server 0.00017; 1000 Genomes Project 0.00020; gnomAD 0.00022 and 0.00024; TOPMed 0.00023; 1000 Genomes Project 30x 0.00031.

Submissions (5):

Labcorp Genetics (formerly Invitae), Labcorp
Classification: Uncertain significance for Woodhouse-Sakati syndrome. Last evaluated: 2022-08-09. Review status: criteria provided, single submitter. Criteria: Invitae Variant Classification Sherloc (09022015). Collection method: clinical testing. Allele origin: germline.
Comment: This sequence change replaces asparagine, which is neutral and polar, with serine, which is neutral and polar, at codon 70 of the DCAF17 protein (p.Asn70Ser). This variant is present in population databases (rs200380164, gnomAD 0.03%). This variant has not been reported in the literature in individuals affected with DCAF17-related conditions. ClinVar contains an entry for this variant (Variation ID: 546879). Algorithms developed to predict the effect of missense changes on protein structure and function (SIFT, PolyPhen-2, Align-GVGD) all suggest that this variant is likely to be disruptive. Algorithms developed to predict the effect of sequence changes on RNA splicing suggest that this variant may create or strengthen a splice site. In summary, the available evidence is currently insufficient to determine the role of this variant in disease. Therefore, it has been classified as a Variant of Uncertain Significance.

Ambry Genetics
Classification: Uncertain significance for Inborn genetic diseases. Last evaluated: 2021-07-14. Review status: criteria provided, single submitter. Criteria: Ambry Variant Classification Scheme 2023. Collection method: clinical testing. Allele origin: germline.

CeGaT Center for Human Genetics Tuebingen
Classification: Uncertain significance. Last evaluated: 2018-02-01. Review status: criteria provided, single submitter. Criteria: CeGaT Center For Human Genetics Tuebingen Variant Classification Criteria Version 2. Collection method: clinical testing. Allele origin: germline. Affected: yes. Observed: 1 variant allele.

Illumina Laboratory Services, Illumina
Classification: Uncertain significance for Woodhouse-Sakati syndrome. Last evaluated: 2018-01-13. Review status: criteria provided, single submitter. Criteria: ICSL Variant Classification Criteria 13 December 2019. Collection method: clinical testing. Allele origin: germline.

Breakthrough Genomics
Classification: Uncertain significance. Review status: criteria provided, single submitter. Criteria: ACMG Guidelines, 2015. Collection method: not provided. Allele origin: germline. Inheritance: Autosomal recessive inheritance. Affected: yes.